The following is an entry in ClinVar:

NM_177550.5(SLC13A5):c.248T>G (p.Met83Arg)

Gene: SLC13A5 (solute carrier family 13 member 5; minus strand). Cytogenetic location: 17p13.1.
Variant type: single nucleotide variant.
Coding change: c.248T>G on transcript NM_177550.5 (MANE Select); coding-DNA position 248, T replaced by G.
Protein change: p.Met83Arg; replaces methionine 83 with arginine.
Molecular consequence: missense variant.
Genome position (GRCh38, 1-based): chr17:6,706,762, A>C on the plus strand (T>G on the coding strand, the complement: SLC13A5 is on the minus strand). VCF-style: chr17-6706762-A-C. GRCh37 (hg19) VCF-style: chr17-6610081-A-C.
Other names: c.248T>G, p.Met83Arg (NM_001143838.3, NM_001284509.2); c.119T>G, p.Met40Arg (NM_001284510.2); short protein forms M40R, M83R.
Identifiers: ClinVar variation 945772 (VCV000945772.10), dbSNP rs1973877779, ClinGen allele CA397751123.

ClinVar aggregate classification (germline): Uncertain significance (1 of 4 stars; one submission).

Conditions:
Developmental and epileptic encephalopathy, 25 (DEE25). Also called: Epileptic encephalopathy, early infantile, 25; Developmental and epileptic encephalopathy 25, with amelogenesis imperfecta; Epileptic encephalopathy, early infantile, 25, with amelogenesis imperfecta. Identifiers: Orphanet 442835, MedGen C4014621, MONDO:0014392, OMIM 615905.

Submission:

Labcorp Genetics (formerly Invitae), Labcorp
Classification: Uncertain significance for Developmental and epileptic encephalopathy, 25. Last evaluated: 2022-03-19. Review status: criteria provided, single submitter. Criteria: Invitae Variant Classification Sherloc (09022015). Collection method: clinical testing. Allele origin: germline.
Comment: In summary, the available evidence is currently insufficient to determine the role of this variant in disease. Therefore, it has been classified as a Variant of Uncertain Significance. Algorithms developed to predict the effect of sequence changes on RNA splicing suggest that this variant may create or strengthen a splice site. Algorithms developed to predict the effect of missense changes on protein structure and function (SIFT, PolyPhen-2, Align-GVGD) all suggest that this variant is likely to be disruptive. ClinVar contains an entry for this variant (Variation ID: 945772). This variant has not been reported in the literature in individuals affected with SLC13A5-related conditions. This variant is not present in population databases (gnomAD no frequency). This sequence change replaces methionine, which is neutral and non-polar, with arginine, which is basic and polar, at codon 83 of the SLC13A5 protein (p.Met83Arg).